The following is an entry in ClinVar:

ClinVar aggregate classification (germline): Uncertain significance (1 of 4 stars; one submission).

Allele frequency attached by ClinVar (database versions not stated): gnomAD exomes below 0.00001; gnomAD 0.00003; TOPMed 0.00005.
gnomAD v4.1: 5 of 1,613,908 alleles (0.00031%); highest among the groups gnomAD compares: Admixed American, 0.005%; no homozygotes.

Submission:

Ambry Genetics
Classification: Uncertain significance. Last evaluated: 2023-09-01. Review status: criteria provided, single submitter. Criteria: Ambry Variant Classification Scheme 2023. Collection method: clinical testing. Allele origin: germline.
Comment: The p.R35Q variant (also known as c.104G>A), located in coding exon 3 of the RAD54L gene, results from a G to A substitution at nucleotide position 104. The arginine at codon 35 is replaced by glutamine, an amino acid with highly similar properties. This amino acid position is conserved. In addition, this alteration is predicted to be tolerated by in silico analysis. Since supporting evidence is limited at this time, the clinical significance of this alteration remains unclear.

NM_003579.4(RAD54L):c.104G>A (p.Arg35Gln)

Gene: RAD54L (RAD54 like; plus strand). Cytogenetic location: 1p34.1.
Variant type: single nucleotide variant.
Coding change: c.104G>A on transcript NM_003579.4 (MANE Select); coding-DNA position 104, G replaced by A.
Protein change: p.Arg35Gln; replaces arginine 35 with glutamine.
Molecular consequence: missense variant. On other transcripts: 5 prime UTR variant (1).
Genome position (GRCh38, 1-based): chr1:46,250,013, G>A. VCF-style: chr1-46250013-G-A. GRCh37 (hg19) VCF-style: chr1-46715685-G-A.
Other names: c.104G>A, p.Arg35Gln (NM_001142548.2); c.-437G>A (NM_001370766.1); short protein forms R35Q.
Identifiers: ClinVar variation 1776657 (VCV001776657.3), dbSNP rs1320236099, ClinGen allele CA340175416.